The following is an entry in ClinVar:

NM_145290.4(ADGRA3):c.3454A>C (p.Lys1152Gln)

Gene: ADGRA3 (adhesion G protein-coupled receptor A3; minus strand). Cytogenetic location: 4p15.2.
Variant type: single nucleotide variant.
Coding change: c.3454A>C on transcript NM_145290.4 (MANE Select); coding-DNA position 3454, A replaced by C.
Protein change: p.Lys1152Gln; replaces lysine 1152 with glutamine.
Molecular consequence: missense variant.
Genome position (GRCh38, 1-based): chr4:22,388,217, T>G on the plus strand (A>C on the coding strand, the complement: ADGRA3 is on the minus strand). VCF-style: chr4-22388217-T-G. GRCh37 (hg19) VCF-style: chr4-22389840-T-G.
Other names: c.3454A>C (NM_145290.2); short protein forms K1152Q.
Identifiers: ClinVar variation 960409 (VCV000960409.9), dbSNP rs766112442, ClinGen allele CA2873366.

ClinVar aggregate classification (germline): Uncertain significance. Review status: criteria provided, multiple submitters, no conflicts (2 of 4 stars). 2 submissions from 2 submitters: Uncertain significance (2). Last evaluated 2024-06-04.

Allele frequency attached by ClinVar (database versions not stated): gnomAD 0.00001 and 0.00002; ExAC 0.00002; TOPMed 0.00002; gnomAD exomes 0.00003.
gnomAD v4.1: 35 of 1,614,038 alleles (0.0022%); highest among the groups gnomAD compares: Admixed American, 0.012%; no homozygotes.

Submissions (2):

Labcorp Genetics (formerly Invitae), Labcorp
Classification: Uncertain significance. Last evaluated: 2024-06-04. Review status: criteria provided, single submitter. Criteria: Invitae Variant Classification Sherloc (09022015). Collection method: clinical testing. Allele origin: germline.
Comment: This sequence change replaces lysine, which is basic and polar, with glutamine, which is neutral and polar, at codon 1152 of the ADGRA3 protein (p.Lys1152Gln). This variant is present in population databases (rs766112442, gnomAD 0.01%). This variant has not been reported in the literature in individuals affected with ADGRA3-related conditions. ClinVar contains an entry for this variant (Variation ID: 960409). An algorithm developed to predict the effect of missense changes on protein structure and function (PolyPhen-2) suggests that this variant is likely to be disruptive. In summary, the available evidence is currently insufficient to determine the role of this variant in disease. Therefore, it has been classified as a Variant of Uncertain Significance.

Ambry Genetics
Classification: Uncertain significance. Last evaluated: 2022-08-17. Review status: criteria provided, single submitter. Criteria: Ambry Variant Classification Scheme 2023. Collection method: clinical testing. Allele origin: germline.